The following is an entry in ClinVar:

ClinVar aggregate classification (germline): Conflicting classifications of pathogenicity. Review status: criteria provided, conflicting classifications (1 of 4 stars). 4 submissions from 4 submitters: Uncertain significance (1); Benign (2). 1 of the submissions does not count toward it. Last evaluated 2022-04-01.

Conditions:
Retinal dystrophy. Also called: Inherited retinal dystrophy. Identifiers: Orphanet 71862, MedGen C0854723, MeSH D058499, MONDO:0019118, HP:0000556.
Primary ciliary dyskinesia. Also called: Ciliary dyskinesia. Identifiers: Orphanet 244, MedGen C0008780, MONDO:0016575, HP:0012265.

Allele frequency attached by ClinVar (database versions not stated): ExAC 0.01004; gnomAD exomes 0.00844.

Submissions (4):

Labcorp Genetics (formerly Invitae), Labcorp
Classification: Uncertain significance for Primary ciliary dyskinesia. Last evaluated: 2022-04-01. Review status: criteria provided, single submitter. Criteria: Invitae Variant Classification Sherloc (09022015). Collection method: clinical testing. Allele origin: germline.
Comment: In summary, the available evidence is currently insufficient to determine the role of this variant in disease. Therefore, it has been classified as a Variant of Uncertain Significance. Algorithms developed to predict the effect of missense changes on protein structure and function output the following: SIFT: "Not Available"; PolyPhen-2: "Not Available"; Align-GVGD: "Not Available". The glycine amino acid residue is found in multiple mammalian species, which suggests that this missense change does not adversely affect protein function. ClinVar contains an entry for this variant (Variation ID: 1278030). This variant has not been reported in the literature in individuals affected with RPGR (ORF15)-related conditions. The frequency data for this variant in the population databases is considered unreliable, as metrics indicate poor data quality at this position in the gnomAD database. This sequence change replaces glutamic acid, which is acidic and polar, with glycine, which is neutral and non-polar, at codon 934 of the RPGR (ORF15) protein (p.Glu934Gly).

GeneDx
Classification: Benign. Last evaluated: 2019-10-05. Review status: criteria provided, single submitter. Criteria: GeneDx Variant Classification Process June 2021. Collection method: clinical testing. Allele origin: germline. Affected: yes.

Breakthrough Genomics
Classification: Benign. Review status: criteria provided, single submitter. Criteria: ACMG Guidelines, 2015. Collection method: not provided. Allele origin: germline. Inheritance: X-linked inheritance. Affected: yes.

Institute of Human Genetics, Univ. Regensburg, Univ. Regensburg
Classification: Uncertain significance for Retinal dystrophy. Last evaluated: 2023-01-01. Review status: no assertion criteria provided. Criteria: ACMG Guidelines, 2015. Collection method: clinical testing. Allele origin: germline. Affected: yes. Not counted in ClinVar's aggregate classification.

NM_001034853.2(RPGR):c.2801A>G (p.Glu934Gly)

Gene: RPGR (retinitis pigmentosa GTPase regulator; minus strand). Cytogenetic location: Xp11.4.
Variant type: single nucleotide variant.
Coding change: c.2801A>G on transcript NM_001034853.2 (MANE Select); coding-DNA position 2801, A replaced by G.
Protein change: p.Glu934Gly; replaces glutamic acid 934 with glycine.
Molecular consequence: missense variant. On other transcripts: intron variant (8).
Genome position (GRCh38, 1-based): chrX:38,286,198, T>C on the plus strand (A>G on the coding strand, the complement: RPGR is on the minus strand). VCF-style: chrX-38286198-T-C. GRCh37 (hg19) VCF-style: chrX-38145451-T-C.
Other names: c.1569+4761A>G (NM_001367249.1, NM_001367250.1); c.1902+896A>G (NM_001367245.1); c.1386+4761A>G (NM_001367251.1); c.1719+896A>G (NM_001367246.1); c.1572+4761A>G (NM_001367247.1); c.1905+896A>G (NM_000328.3); c.1602+4761A>G (NM_001367248.1); short protein forms E934G.
Identifiers: ClinVar variation 1278030 (VCV001278030.8), dbSNP rs751314374, ClinGen allele CA10385247.